The following is an entry in ClinVar:

ClinVar aggregate classification (germline): Uncertain significance (1 of 4 stars; one submission).

Conditions:
Leigh syndrome (NULS). Also called: Leigh's necrotizing encephalopathy; Leigh's disease; Leigh Syndrome (mtDNA deletion); Leigh Disease; Subacute necrotizing encephalopathy; Necrotizing encephalopathy infantile subacute of Leigh. Identifiers: Orphanet 506, MedGen C2931891, MONDO:0009723, OMIM 256000.

Submission:

Wong Mito Lab, Molecular and Human Genetics, Baylor College of Medicine
Classification: Uncertain significance for Leigh syndrome. Last evaluated: 2019-10-17. Review status: criteria provided, single submitter. Criteria: Modified ACMG Guidelines (Unpublished). Collection method: clinical testing. Allele origin: germline.
Comment: The NC_012920.1:m.5296T>C (YP_003024027.1:p.Leu276Pro) variant in MTND2 gene is interpretated to be a Uncertain Significance variant based on the modified ACMG guidelines (unpublished). This variant meets the following evidence codes: PP7

NC_012920.1(MT-ND2):m.5296T>C

Gene: MT-ND2 (mitochondrially encoded NADH dehydrogenase 2; plus strand).
Variant type: single nucleotide variant.
Genome position: chrM-5296-T-C.
Identifiers: ClinVar variation 692570 (VCV000692570.1), dbSNP rs1603219883, ClinGen allele CA414779722.